The following is an entry in ClinVar:

ClinVar aggregate classification (germline): Uncertain significance (1 of 4 stars; one submission).

Allele frequency attached by ClinVar (database versions not stated): 1000 Genomes Project 30x 0.00016.
gnomAD v4.1: 23 of 1,611,336 alleles (0.0014%); highest among the groups gnomAD compares: East Asian, 0.033%; no homozygotes.

Submission:

Labcorp Genetics (formerly Invitae), Labcorp
Classification: Uncertain significance. Last evaluated: 2024-10-15. Review status: criteria provided, single submitter. Criteria: Invitae Variant Classification Sherloc (09022015). Collection method: clinical testing. Allele origin: germline.
Comment: This sequence change replaces proline, which is neutral and non-polar, with leucine, which is neutral and non-polar, at codon 1942 of the TCF20 protein (p.Pro1942Leu). This variant is present in population databases (rs144341537, gnomAD 0.02%). This variant has not been reported in the literature in individuals affected with TCF20-related conditions. ClinVar contains an entry for this variant (Variation ID: 1918733). An algorithm developed to predict the effect of missense changes on protein structure and function (PolyPhen-2) suggests that this variant is likely to be tolerated. In summary, the available evidence is currently insufficient to determine the role of this variant in disease. Therefore, it has been classified as a Variant of Uncertain Significance.

NM_001378418.1(TCF20):c.5825C>T (p.Pro1942Leu)

Gene: TCF20 (transcription factor 20; minus strand). Cytogenetic location: 22q13.2.
Variant type: single nucleotide variant.
Coding change: c.5825C>T on transcript NM_001378418.1 (MANE Select); coding-DNA position 5825, C replaced by T.
Protein change: p.Pro1942Leu; replaces proline 1942 with leucine.
Molecular consequence: missense variant. On other transcripts: intron variant (1).
Genome position (GRCh38, 1-based): chr22:42,168,711, G>A on the plus strand (C>T on the coding strand, the complement: TCF20 is on the minus strand). VCF-style: chr22-42168711-G-A. GRCh37 (hg19) VCF-style: chr22-42564717-G-A.
Other names: c.5825C>T, p.Pro1942Leu (NM_005650.4); c.5799+1136C>T (NM_181492.3); short protein forms P1942L.
Identifiers: ClinVar variation 1918733 (VCV001918733.5), dbSNP rs144341537, ClinGen allele CA10266329.